The following is an entry in ClinVar:

NM_001429.4(EP300):c.3807-15_3807-14del

Gene: EP300 (EP300 lysine acetyltransferase; plus strand). Cytogenetic location: 22q13.2.
Variant type: Deletion.
Coding change: c.3807-15_3807-14del on transcript NM_001429.4 (MANE Select); 15 bases into the intron before coding-DNA position 3807 through 14 bases into the intron before coding-DNA position 3807, 2 bases deleted (TT; older notation c.3807-15_3807-14delTT).
Molecular consequence: intron variant.
Genome position (GRCh38, 1-based): chr22:41,166,584-41,166,585, TT deleted; deleting any 2 consecutive bases within chr22:41,166,582-41,166,585 gives the same sequence; the c. name uses the placement nearest the transcript's 3' end. VCF-style (leftmost placement, unchanged base first): chr22-41166581-GTT-G. GRCh37 (hg19) VCF-style: chr22-41562585-GTT-G.
Other names: c.3729-15_3729-14del (NM_001362843.2).
Identifiers: ClinVar variation 3696540 (VCV003696540.2).

ClinVar aggregate classification (germline): Uncertain significance (1 of 4 stars; one submission).

Conditions:
Rubinstein-Taybi syndrome due to EP300 haploinsufficiency. Also called: EP300-Related Rubinstein-Taybi Syndrome; RUBINSTEIN-TAYBI SYNDROME 2. Identifiers: Orphanet 353284, Orphanet 783, MedGen C3150941, MONDO:0013364, OMIM 613684.

Submission:

Labcorp Genetics (formerly Invitae), Labcorp
Classification: Uncertain significance for Rubinstein-Taybi syndrome due to EP300 haploinsufficiency. Last evaluated: 2024-09-25. Review status: criteria provided, single submitter. Criteria: Invitae Variant Classification Sherloc (09022015). Collection method: clinical testing. Allele origin: germline.
Comment: This sequence change falls in intron 22 of the EP300 gene. It does not directly change the encoded amino acid sequence of the EP300 protein. This variant is present in population databases (rs758097366, gnomAD 0.02%). This variant has not been reported in the literature in individuals affected with EP300-related conditions. Algorithms developed to predict the effect of sequence changes on RNA splicing suggest that this variant may disrupt the consensus splice site. In summary, the available evidence is currently insufficient to determine the role of this variant in disease. Therefore, it has been classified as a Variant of Uncertain Significance.